The following is an entry in ClinVar:

NM_172351.3(CD46):c.629GTG[1] (p.Gly211del)

Gene: CD46 (CD46 molecule; plus strand). Cytogenetic location: 1q32.2.
Variant type: Microsatellite.
Coding change: c.629GTG[1] on transcript NM_172351.3 (MANE Select); one copy of the 3-base unit GTG starting at c.629; the reference has two copies in a row; one copy, 3 bases deleted.
Protein change: p.Gly211del; deletes glycine 211.
Genome position (GRCh38, 1-based): chr1:207,761,405-207,761,407, GTG deleted; deleting any 3 consecutive bases within chr1:207,761,402-207,761,407 gives the same sequence; the position shown is the placement nearest the transcript's 3' end. VCF-style (leftmost placement, unchanged base first): chr1-207761401-TGTG-T. GRCh37 (hg19) VCF-style: chr1-207934746-TGTG-T.
Other names: c.632_634delGTG (NM_002389.4); c.629GTG[1], p.Gly211del (NM_002389.4, NM_153826.4, NM_172350.3 and 8 more transcripts); short protein forms G211del.
Identifiers: ClinVar variation 4769139 (VCV004769139.2).

ClinVar aggregate classification (germline): Uncertain significance. Review status: criteria provided, multiple submitters, no conflicts (2 of 4 stars). 2 submissions from 2 submitters: Uncertain significance (2). Last evaluated 2026-02-05.

Submissions (2):

Women's Health and Genetics/Laboratory Corporation of America, LabCorp
Classification: Uncertain significance. Last evaluated: 2026-02-05. Review status: criteria provided, single submitter. Criteria: LabCorp Variant Classification Summary - May 2015. Collection method: clinical testing. Allele origin: germline.
Comment: Variant summary: CD46 c.632_634delGTG (p.Gly211del) results in an in-frame deletion that is predicted to remove 1 amino acid from the encoded protein. The variant was absent in 251468 control chromosomes. The available data on variant occurrences in the general population are insufficient to allow any conclusion about variant significance. To our knowledge, no occurrence of c.632_634delGTG in individuals affected with CD46-related conditions and no experimental evidence demonstrating its impact on protein function have been reported. No submitters have cited clinical-significance assessments for this variant to ClinVar. Based on the evidence outlined above, the variant was classified as uncertain significance.

Labcorp Genetics (formerly Invitae), Labcorp
Classification: Uncertain significance. Last evaluated: 2025-12-01. Review status: criteria provided, single submitter. Criteria: Invitae Variant Classification Sherloc (09022015). Collection method: clinical testing. Allele origin: germline.
Comment: This variant, c.632_634del, results in the deletion of 1 amino acid(s) of the CD46 protein (p.Gly211del), but otherwise preserves the integrity of the reading frame. The frequency data for this variant in the population databases is considered unreliable, as metrics indicate poor data quality at this position in the gnomAD database. This variant has not been reported in the literature in individuals affected with CD46-related conditions. Experimental studies and prediction algorithms are not available or were not evaluated, and the functional significance of this variant is currently unknown. In summary, the available evidence is currently insufficient to determine the role of this variant in disease. Therefore, it has been classified as a Variant of Uncertain Significance.